The following is an entry in ClinVar:

NM_002199.4(IRF2):c.1035C>T (p.Arg345=)

Gene: IRF2 (interferon regulatory factor 2; minus strand). Cytogenetic location: 4q35.1.
Variant type: single nucleotide variant.
Coding change: c.1035C>T on transcript NM_002199.4 (MANE Select); coding-DNA position 1035, C replaced by T.
Protein change: p.Arg345=; no amino-acid change (arginine 345 retained).
Molecular consequence: synonymous variant.
Genome position (GRCh38, 1-based): chr4:184,388,773, G>A on the plus strand (C>T on the coding strand, the complement: IRF2 is on the minus strand). VCF-style: chr4-184388773-G-A. GRCh37 (hg19) VCF-style: chr4-185309927-G-A.
Identifiers: ClinVar variation 4083553 (VCV004083553.8).

ClinVar aggregate classification (germline): Likely benign (1 of 4 stars; one submission).

gnomAD v4.1: 10,726 of 1,611,208 alleles (0.67%); highest among the groups gnomAD compares: Non-Finnish European, 0.79%; 60 homozygotes.

Submission:

CeGaT Center for Human Genetics Tuebingen
Classification: Likely benign. Last evaluated: 2025-06-01. Review status: criteria provided, single submitter. Criteria: CeGaT Center For Human Genetics Tuebingen Variant Classification Criteria Version 2. Collection method: clinical testing. Allele origin: germline. Affected: yes. Observed: 1 variant allele.
Comment: IRF2: BP4, BP7, BS2